The following is an entry in ClinVar:

NM_001384732.1(CPLANE1):c.5579C>T (p.Pro1860Leu)

Gene: CPLANE1 (ciliogenesis and planar polarity effector complex subunit 1; minus strand). Cytogenetic location: 5p13.2.
Variant type: single nucleotide variant.
Coding change: c.5579C>T on transcript NM_001384732.1 (MANE Select); coding-DNA position 5579, C replaced by T.
Protein change: p.Pro1860Leu; replaces proline 1860 with leucine.
Molecular consequence: missense variant.
Genome position (GRCh38, 1-based): chr5:37,180,175, G>A on the plus strand (C>T on the coding strand, the complement: CPLANE1 is on the minus strand). VCF-style: chr5-37180175-G-A. GRCh37 (hg19) VCF-style: chr5-37180277-G-A.
Other names: c.5579C>T, p.Pro1860Leu (NM_023073.4); c.5579C>T (NM_023073.3); short protein forms P1860L.
Identifiers: ClinVar variation 1575447 (VCV001575447.10), dbSNP rs368751039, ClinGen allele CA3238500.

ClinVar aggregate classification (germline): Conflicting classifications of pathogenicity. Review status: criteria provided, conflicting classifications (1 of 4 stars). 3 submissions from 3 submitters: Uncertain significance (1); Likely benign (1). 1 of the submissions does not count toward it. Last evaluated 2025-11-28.

Conditions:
CPLANE1-related disorder. Also called: CPLANE1-related condition.
Joubert syndrome 17 (JBTS17). Identifiers: Orphanet 475, MedGen C3553264, MONDO:0013824, OMIM 614615.
Orofaciodigital syndrome type 6 (OFD6). Also called: OROFACIODIGITAL SYNDROME VI; OFDS VI; POLYDACTYLY, CLEFT LIP/PALATE OR LINGUAL LUMP, AND PSYCHOMOTOR RETARDATION; VARADI SYNDROME; VARADI-PAPP SYNDROME; Oral-facial-digital syndrome type 6. Identifiers: Orphanet 2754, MedGen C2745997, MONDO:0010176, OMIM 277170.

Allele frequency attached by ClinVar (database versions not stated): gnomAD exomes 0.00002 and 0.00008; TOPMed 0.00003; gnomAD 0.00004 and 0.00006; ExAC 0.00006; 1000 Genomes Project 30x 0.00016; 1000 Genomes Project 0.00020.
gnomAD v4.1: 41 of 1,473,754 alleles (0.0028%); highest among the groups gnomAD compares: East Asian, 0.04%; 1 homozygote.

Submissions (3):

Labcorp Genetics (formerly Invitae), Labcorp
Classification: Likely benign. Last evaluated: 2025-11-28. Review status: criteria provided, single submitter. Criteria: Invitae Variant Classification Sherloc (09022015). Collection method: clinical testing. Allele origin: germline.

Fulgent Genetics
Classification: Uncertain significance for Orofaciodigital syndrome type 6; Joubert syndrome 17. Last evaluated: 2024-03-21. Review status: criteria provided, single submitter. Criteria: ACMG Guidelines, 2015. Collection method: clinical testing. Allele origin: germline.

PreventionGenetics, part of Exact Sciences
Classification: Uncertain significance for CPLANE1-related condition. Last evaluated: 2024-07-03. Review status: no assertion criteria provided. Collection method: clinical testing. Allele origin: germline. Not counted in ClinVar's aggregate classification.
Comment: The CPLANE1 c.5579C>T variant is predicted to result in the amino acid substitution p.Pro1860Leu. To our knowledge, this variant has not been reported in the literature. This variant is reported in 0.095% of alleles in individuals of East Asian descent in gnomAD. At this time, the clinical significance of this variant is uncertain due to the absence of conclusive functional and genetic evidence.